The following is an entry in ClinVar:

ClinVar aggregate classification (germline): Conflicting classifications of pathogenicity. Review status: criteria provided, conflicting classifications (1 of 4 stars). 13 submissions from 13 submitters: Uncertain significance (1); Benign (3); Likely benign (6). 3 of the submissions do not count toward it. Last evaluated 2026-07-14.

Conditions:
PCDH15-related disorder. Also called: PCDH15-related condition; PCDH15-related disorders.
Usher syndrome type 1 (USH1). Also called: RETINITIS PIGMENTOSA AND CONGENITAL DEAFNESS. Identifiers: Orphanet 231169, Orphanet 886, MedGen C1568247, MONDO:0010168, OMIM 276900.
Usher syndrome type 1F (USH1F). Also called: USHER SYNDROME, TYPE IF. Identifiers: Orphanet 231169, Orphanet 886, MedGen C1865885, MONDO:0011186, OMIM 602083.

Allele frequency attached by ClinVar (database versions not stated): 1000 Genomes Project 30x 0.00187; 1000 Genomes Project 0.00220; ExAC 0.00327; gnomAD exomes 0.00345 and 0.00576; TOPMed 0.00377; gnomAD 0.00386 and 0.00401; ESP Exome Variant Server 0.00431.
gnomAD v4.1: 8,932 of 1,613,736 alleles (0.55%); highest among the groups gnomAD compares: Non-Finnish European, 0.69%; 42 homozygotes.

Submissions (13):

PreventionGenetics, part of Exact Sciences
Classification: Likely benign for PCDH15-related condition. Last evaluated: 2026-07-14. Review status: criteria provided, single submitter. Criteria: ACMG Guidelines, 2015. Collection method: clinical testing. Allele origin: germline.
Comment: This variant is classified as likely benign based on ACMG/AMP sequence variant interpretation guidelines (Richards et al. 2015 PMID: 25741868, with internal and published modifications).

CeGaT Center for Human Genetics Tuebingen
Classification: Likely benign. Last evaluated: 2026-06-01. Review status: criteria provided, single submitter. Criteria: CeGaT Center For Human Genetics Tuebingen Variant Classification Criteria Version 2. Collection method: clinical testing. Allele origin: germline. Affected: yes. Observed: 14 variant alleles.
Comment: PCDH15: BP4, BP7, BS2

Labcorp Genetics (formerly Invitae), Labcorp
Classification: Benign. Last evaluated: 2026-02-04. Review status: criteria provided, single submitter. Criteria: Invitae Variant Classification Sherloc (09022015). Collection method: clinical testing. Allele origin: germline.

Blueprint Genetics
Classification: Likely benign. Last evaluated: 2024-11-22. Review status: criteria provided, single submitter. Criteria: ACMG Guidelines, 2015. Collection method: clinical testing. Allele origin: germline.

Genome-Nilou Lab
Classification: Likely benign for Usher syndrome type 1F. Last evaluated: 2021-05-18. Review status: criteria provided, single submitter. Criteria: ACMG Guidelines, 2015. Collection method: clinical testing. Allele origin: germline. Affected: no.

Pars Genome Lab
Classification: Likely benign for Usher syndrome type 1F. Last evaluated: 2021-05-18. Review status: criteria provided, single submitter. Criteria: ACMG Guidelines, 2015. Collection method: clinical testing. Allele origin: germline. Affected: no.

Illumina Laboratory Services, Illumina
Classification: Uncertain significance for Usher syndrome type 1. Last evaluated: 2018-01-12. Review status: criteria provided, single submitter. Criteria: ICSL Variant Classification Criteria 13 December 2019. Collection method: clinical testing. Allele origin: germline.

Eurofins Ntd Llc (ga)
Classification: Likely benign. Last evaluated: 2016-03-03. Review status: criteria provided, single submitter. Criteria: EGL Classification Definitions 2015. Collection method: clinical testing. Allele origin: germline. Observed: 1 variant allele, 1 heterozygote.

GeneDx
Classification: Benign. Last evaluated: 2014-06-19. Review status: criteria provided, single submitter. Criteria: GeneDx Variant Classification (06012015). Collection method: clinical testing. Allele origin: germline. Affected: yes.
Comment: This variant is considered likely benign or benign based on one or more of the following criteria: it is a conservative change, it occurs at a poorly conserved position in the protein, it is predicted to be benign by multiple in silico algorithms, and/or has population frequency not consistent with disease.

Laboratory for Molecular Medicine, Mass General Brigham Personalized Medicine
Classification: Benign. Last evaluated: 2012-06-15. Review status: criteria provided, single submitter. Criteria: LMM Criteria. Collection method: clinical testing. Allele origin: germline. Observed: 17 variant alleles.
Comment: Ser875Ser in exon 20 of PCDH15: This variant is not expected to have clinical si gnificance because it does not alter an amino acid residue, is not located withi n the splice consensus sequence, has been identified in 0.5% (38/7020) of Europe an American chromosomes and 0.1% (5/3736) of African American chromosomes from a broad population by the NHLBI Exome sequencing project (n.edu/EVS/; dbSNP rs111033516).

Natera, Inc.
Classification: Benign for Usher syndrome type 1F. Last evaluated: 2020-09-16. Review status: no assertion criteria provided. Collection method: clinical testing. Allele origin: germline. Not counted in ClinVar's aggregate classification.

Clinical Genetics DNA and cytogenetics Diagnostics Lab, Erasmus MC, Erasmus Medical Center
Classification: Likely benign. Review status: no assertion criteria provided. Collection method: clinical testing. Allele origin: germline. Affected: yes. Study: VKGL Data-share Consensus. Not counted in ClinVar's aggregate classification.

Clinical Genetics, Academic Medical Center
Classification: Benign. Review status: no assertion criteria provided. Collection method: clinical testing. Allele origin: germline. Affected: yes. Study: VKGL Data-share Consensus. Not counted in ClinVar's aggregate classification.

NM_001384140.1(PCDH15):c.2625G>A (p.Ser875=)

Gene: PCDH15 (protocadherin related 15; minus strand). Cytogenetic location: 10q21.1.
Variant type: single nucleotide variant.
Coding change: c.2625G>A on transcript NM_001384140.1 (MANE Select); coding-DNA position 2625, G replaced by A.
Protein change: p.Ser875=; no amino-acid change (serine 875 retained).
Molecular consequence: synonymous variant.
Genome position (GRCh38, 1-based): chr10:54,020,318, C>T on the plus strand (G>A on the coding strand, the complement: PCDH15 is on the minus strand). VCF-style: chr10-54020318-C-T. GRCh37 (hg19) VCF-style: chr10-55780078-C-T.
Other names: p.S875S:TCG>TCA; c.2640G>A, p.Ser880= (NM_001142763.2, NM_001142771.2); c.2625G>A, p.Ser875= (NM_001142764.2, NM_001142766.2, NM_001142770.3 and 5 more transcripts); c.2412G>A, p.Ser804= (NM_001142765.2); c.2514G>A, p.Ser838= (NM_001142767.2); c.2559G>A, p.Ser853= (NM_001142768.2, NM_001142773.2, NM_001354404.2); c.2661G>A, p.Ser887= (NM_001142769.4); c.2646G>A, p.Ser882= (NM_001354411.2).
Identifiers: ClinVar variation 46454 (VCV000046454.63), dbSNP rs111033516, ClinGen allele CA138392.